The following is an entry in ClinVar:

ClinVar aggregate classification (germline): Uncertain significance (1 of 4 stars; one submission).

Conditions:
Familial adenomatous polyposis 1 (FAP1). Also called: POLYPOSIS, ADENOMATOUS INTESTINAL; FAMILIAL ADENOMATOUS POLYPOSIS 1, ATTENUATED. Identifiers: MedGen C2713442, MONDO:0021056, OMIM 175100. Disease mechanism: loss of function.

Submission:

Labcorp Genetics (formerly Invitae), Labcorp
Classification: Uncertain significance for Familial adenomatous polyposis 1. Last evaluated: 2021-10-31. Review status: criteria provided, single submitter. Criteria: Invitae Variant Classification Sherloc (09022015). Collection method: clinical testing. Allele origin: germline.
Comment: In summary, the available evidence is currently insufficient to determine the role of this variant in disease. Therefore, it has been classified as a Variant of Uncertain Significance. Algorithms developed to predict the effect of missense changes on protein structure and function (SIFT, PolyPhen-2, Align-GVGD) all suggest that this variant is likely to be tolerated. This variant has not been reported in the literature in individuals affected with APC-related conditions. This variant is not present in population databases (gnomAD no frequency). This sequence change replaces threonine, which is neutral and polar, with asparagine, which is neutral and polar, at codon 2514 of the APC protein (p.Thr2514Asn).

NM_000038.6(APC):c.7541C>A (p.Thr2514Asn)

Gene: APC (APC regulator of Wnt signaling pathway; plus strand). Cytogenetic location: 5q22.2.
Variant type: single nucleotide variant.
Coding change: c.7541C>A on transcript NM_000038.6 (MANE Select); coding-DNA position 7541, C replaced by A.
Protein change: p.Thr2514Asn; replaces threonine 2514 with asparagine.
Molecular consequence: missense variant.
Genome position (GRCh38, 1-based): chr5:112,843,135, C>A. VCF-style: chr5-112843135-C-A. GRCh37 (hg19) VCF-style: chr5-112178832-C-A.
Other names: c.7541C>A, p.Thr2514Asn (NM_001127510.3, NM_001354895.2); c.7487C>A, p.Thr2496Asn (NM_001127511.3); c.7595C>A, p.Thr2532Asn (NM_001354896.2); c.7571C>A, p.Thr2524Asn (NM_001354897.2); c.7466C>A, p.Thr2489Asn (NM_001354898.2); c.7457C>A, p.Thr2486Asn (NM_001354899.2); c.7418C>A, p.Thr2473Asn (NM_001354900.2); c.7364C>A, p.Thr2455Asn (NM_001354901.2); and 5 more; short protein forms T2354N, T2455N, T2496N, T2524N, T2388N, T2423N, T2489N, T2231N.
Identifiers: ClinVar variation 1485763 (VCV001485763.6), dbSNP rs747833393, ClinGen allele CA16037722.